The following is an entry in ClinVar:

NM_053025.4(MYLK):c.4628G>A (p.Gly1543Glu)

Gene: MYLK (myosin light chain kinase; minus strand). Cytogenetic location: 3q21.1.
Variant type: single nucleotide variant.
Coding change: c.4628G>A on transcript NM_053025.4 (MANE Select); coding-DNA position 4628, G replaced by A.
Protein change: p.Gly1543Glu; replaces glycine 1543 with glutamic acid.
Molecular consequence: missense variant.
Genome position (GRCh38, 1-based): chr3:123,640,496, C>T on the plus strand (G>A on the coding strand, the complement: MYLK is on the minus strand). VCF-style: chr3-123640496-C-T. GRCh37 (hg19) VCF-style: chr3-123359343-C-T.
Other names: c.4100G>A, p.Gly1367Glu (NM_001321309.2); c.4421G>A, p.Gly1474Glu (NM_053026.4, NM_053028.4); c.4628G>A, p.Gly1543Glu (NM_053027.4); short protein forms G1367E, G1474E, G1543E.
Identifiers: ClinVar variation 3719665 (VCV003719665.2).

ClinVar aggregate classification (germline): Uncertain significance (1 of 4 stars; one submission).

Conditions:
Aortic aneurysm, familial thoracic 7 (AAT7). Also called: AORTIC DISSECTION, FAMILIAL, WITH OR WITHOUT AORTIC ANEURYSM. Identifiers: MedGen C3151077, MONDO:0013418, OMIM 613780.

gnomAD v4.1: 1 of 1,613,930 alleles (0.000062%); highest among the groups gnomAD compares: Non-Finnish European, 0.000085%; no homozygotes.

Submission:

Labcorp Genetics (formerly Invitae), Labcorp
Classification: Uncertain significance for Aortic aneurysm, familial thoracic 7. Last evaluated: 2024-10-28. Review status: criteria provided, single submitter. Criteria: Invitae Variant Classification Sherloc (09022015). Collection method: clinical testing. Allele origin: germline.
Comment: This sequence change replaces glycine, which is neutral and non-polar, with glutamic acid, which is acidic and polar, at codon 1543 of the MYLK protein (p.Gly1543Glu). This variant is present in population databases (rs761590079, gnomAD 0.0009%). This variant has not been reported in the literature in individuals affected with MYLK-related conditions. Invitae Evidence Modeling of protein sequence and biophysical properties (such as structural, functional, and spatial information, amino acid conservation, physicochemical variation, residue mobility, and thermodynamic stability) has been performed for this missense variant. However, the output from this modeling did not meet the statistical confidence thresholds required to predict the impact of this variant on MYLK protein function. In summary, the available evidence is currently insufficient to determine the role of this variant in disease. Therefore, it has been classified as a Variant of Uncertain Significance.